The following is an entry in ClinVar:

ClinVar aggregate classification (germline): Likely pathogenic. Review status: criteria provided, single submitter (1 of 4 stars). 2 submissions from 2 submitters: Likely pathogenic (1). 1 of the submissions does not count toward it. Last evaluated 2024-08-26.

Conditions:
PCNT-related disorder. Also called: PCNT-related condition.

Allele frequency attached by ClinVar (database versions not stated): TOPMed below 0.00001; ExAC 0.00001; gnomAD exomes 0.00001.
gnomAD v4.1: 4 of 1,613,176 alleles (0.00025%); highest among the groups gnomAD compares: Admixed American, 0.0067%; no homozygotes.

Submissions (2):

Labcorp Genetics (formerly Invitae), Labcorp
Classification: Likely pathogenic. Last evaluated: 2024-08-26. Review status: criteria provided, single submitter. Criteria: Invitae Variant Classification Sherloc (09022015). Collection method: clinical testing. Allele origin: germline.
Comment: This sequence change affects a donor splice site in intron 34 of the PCNT gene. It is expected to disrupt RNA splicing. Variants that disrupt the donor or acceptor splice site typically lead to a loss of protein function (PMID: 16199547), and loss-of-function variants in PCNT are known to be pathogenic (PMID: 18174396, 22821869). This variant is present in population databases (rs760423461, gnomAD 0.003%). This variant has not been reported in the literature in individuals affected with PCNT-related conditions. ClinVar contains an entry for this variant (Variation ID: 2636789). Algorithms developed to predict the effect of sequence changes on RNA splicing suggest that this variant may disrupt the consensus splice site. In summary, the currently available evidence indicates that the variant is pathogenic, but additional data are needed to prove that conclusively. Therefore, this variant has been classified as Likely Pathogenic.

PreventionGenetics, part of Exact Sciences
Classification: Likely pathogenic for PCNT-related condition. Last evaluated: 2023-12-21. Review status: no assertion criteria provided. Collection method: clinical testing. Allele origin: germline. Not counted in ClinVar's aggregate classification.
Comment: The PCNT c.7494+1G>A variant is predicted to disrupt the GT donor site and interfere with normal splicing. To our knowledge, this variant has not been reported in the literature. This variant is reported in 0.0058% of alleles in individuals of Latino descent in gnomAD. Variants that disrupt the consensus splice donor site in PCNT are expected to be pathogenic. This variant is interpreted as likely pathogenic.

Literature cited by the submitters: PubMed 16199547 (cited by Labcorp Genetics (formerly Invitae), Labcorp); PubMed 18174396 (cited by Labcorp Genetics (formerly Invitae), Labcorp); PubMed 22821869 (cited by Labcorp Genetics (formerly Invitae), Labcorp).

NM_006031.6(PCNT):c.7494+1G>A

Gene: PCNT (pericentrin; plus strand). Cytogenetic location: 21q22.3.
Variant type: single nucleotide variant.
Coding change: c.7494+1G>A on transcript NM_006031.6 (MANE Select); the canonical splice donor site of the intron after coding-DNA position 7494, G replaced by A.
Molecular consequence: splice donor variant.
Genome position (GRCh38, 1-based): chr21:46,427,796, G>A. VCF-style: chr21-46427796-G-A. GRCh37 (hg19) VCF-style: chr21-47847710-G-A.
Other names: c.7140+1G>A (NM_001315529.2).
Identifiers: ClinVar variation 2636789 (VCV002636789.6), dbSNP rs760423461, ClinGen allele CA10080661.